The following is an entry in ClinVar:

NM_014845.6(FIG4):c.1762C>T (p.Gln588Ter)

Gene: FIG4 (FIG4 phosphoinositide 5-phosphatase; plus strand). Cytogenetic location: 6q21.
Variant type: single nucleotide variant.
Coding change: c.1762C>T on transcript NM_014845.6 (MANE Select); coding-DNA position 1762, C replaced by T.
Protein change: p.Gln588Ter; replaces glutamine 588 with a stop codon.
Molecular consequence: nonsense.
Genome position (GRCh38, 1-based): chr6:109,776,933, C>T. VCF-style: chr6-109776933-C-T. GRCh37 (hg19) VCF-style: chr6-110098136-C-T.
Other names: short protein forms Q588*.
Identifiers: ClinVar variation 1446731 (VCV001446731.6), dbSNP rs2128394568, ClinGen allele CA365229912.
Genomic context (GRCh38, chr6:109,776,933, plus strand): 5'-ATATATCCATCAGTAATGGATTTTCTGAAATATATATTTTGCTTTTTAGATGCCGATAGA[C>T]AAGATTCCATTAATCTCTTCCTGGGAGTTTTCCATCCCACTGAAGGGAAACCTCATCTCT-3'

ClinVar aggregate classification (germline): Pathogenic (1 of 4 stars; one submission).

Conditions:
Charcot-Marie-Tooth disease type 4. Also called: Charcot-Marie-Tooth disease, type IV; Charcot-Marie-Tooth, Type 4. Identifiers: Orphanet 64749, MedGen C4082197, MONDO:0018995.

Allele frequency attached by ClinVar (database versions not stated): gnomAD exomes below 0.00001.
gnomAD v4.1: 4 of 1,613,048 alleles (0.00025%); highest among the groups gnomAD compares: Non-Finnish European, 0.00034%; no homozygotes.

Submission:

Labcorp Genetics (formerly Invitae), Labcorp
Classification: Pathogenic for Charcot-Marie-Tooth disease type 4. Last evaluated: 2021-10-15. Review status: criteria provided, single submitter. Criteria: Invitae Variant Classification Sherloc (09022015). Collection method: clinical testing. Allele origin: germline.
Comment: For these reasons, this variant has been classified as Pathogenic. This variant has not been reported in the literature in individuals affected with FIG4-related conditions. This variant is not present in population databases (ExAC no frequency). This sequence change creates a premature translational stop signal (p.Gln588*) in the FIG4 gene. It is expected to result in an absent or disrupted protein product. Loss-of-function variants in FIG4 are known to be pathogenic (PMID: 23623387).

Literature cited by the submitters: PubMed 23623387.